The following is an entry in ClinVar:

ClinVar aggregate classification (germline): Uncertain significance (1 of 4 stars; one submission).

Allele frequency attached by ClinVar (database versions not stated): gnomAD exomes 0.00001; ExAC 0.00002; TOPMed 0.00002; gnomAD 0.00003 and 0.00004; ESP Exome Variant Server 0.00008.
gnomAD v4.1: 9 of 1,614,018 alleles (0.00056%); highest among the groups gnomAD compares: African/African-American, 0.012%; no homozygotes.

Submission:

Labcorp Genetics (formerly Invitae), Labcorp
Classification: Uncertain significance. Last evaluated: 2025-04-11. Review status: criteria provided, single submitter. Criteria: Invitae Variant Classification Sherloc (09022015). Collection method: clinical testing. Allele origin: germline.
Comment: This sequence change replaces valine, which is neutral and non-polar, with leucine, which is neutral and non-polar, at codon 43 of the TTLL5 protein (p.Val43Leu). This variant is present in population databases (rs144141238, gnomAD 0.03%). This variant has not been reported in the literature in individuals affected with TTLL5-related conditions. ClinVar contains an entry for this variant (Variation ID: 967544). Invitae Evidence Modeling of protein sequence and biophysical properties (such as structural, functional, and spatial information, amino acid conservation, physicochemical variation, residue mobility, and thermodynamic stability) indicates that this missense variant is not expected to disrupt TTLL5 protein function with a negative predictive value of 80%. In summary, the available evidence is currently insufficient to determine the role of this variant in disease. Therefore, it has been classified as a Variant of Uncertain Significance.

NM_015072.5(TTLL5):c.127G>T (p.Val43Leu)

Gene: TTLL5 (tubulin tyrosine ligase like 5; plus strand). Cytogenetic location: 14q24.3.
Variant type: single nucleotide variant.
Coding change: c.127G>T on transcript NM_015072.5 (MANE Select); coding-DNA position 127, G replaced by T.
Protein change: p.Val43Leu; replaces valine 43 with leucine.
Molecular consequence: missense variant.
Genome position (GRCh38, 1-based): chr14:75,669,468, G>T. VCF-style: chr14-75669468-G-T. GRCh37 (hg19) VCF-style: chr14-76135811-G-T.
Other names: short protein forms V43L.
Identifiers: ClinVar variation 967544 (VCV000967544.8), dbSNP rs144141238, ClinGen allele CA7278810.